The following is an entry in ClinVar:

NM_004629.2(FANCG):c.1319A>G (p.Lys440Arg)

Gene: FANCG (FA complementation group G; minus strand). Cytogenetic location: 9p13.3.
Variant type: single nucleotide variant.
Coding change: c.1319A>G on transcript NM_004629.2 (MANE Select); coding-DNA position 1319, A replaced by G.
Protein change: p.Lys440Arg; replaces lysine 440 with arginine.
Molecular consequence: missense variant.
Genome position (GRCh38, 1-based): chr9:35,075,579, T>C on the plus strand (A>G on the coding strand, the complement: FANCG is on the minus strand). VCF-style: chr9-35075579-T-C. GRCh37 (hg19) VCF-style: chr9-35075576-T-C.
Other names: short protein forms K440R.
Identifiers: ClinVar variation 4022559 (VCV004022559.1).

ClinVar aggregate classification (germline): Uncertain significance (1 of 4 stars; one submission).

Conditions:
Inborn genetic diseases. Identifiers: MedGen C0950123, MeSH D030342.

Submission:

Ambry Genetics
Classification: Uncertain significance for Inborn genetic diseases. Last evaluated: 2025-06-09. Review status: criteria provided, single submitter. Criteria: Ambry Variant Classification Scheme 2023. Collection method: clinical testing. Allele origin: germline.
Comment: The p.K440R variant (also known as c.1319A>G), located in coding exon 10 of the FANCG gene, results from an A to G substitution at nucleotide position 1319. The lysine at codon 440 is replaced by arginine, an amino acid with highly similar properties. This amino acid position is conserved. In addition, this alteration is predicted to be tolerated by in silico analysis. Based on the available evidence, the clinical significance of this variant remains unclear.